The following is an entry in ClinVar:

ClinVar aggregate classification (germline): Benign (3 of 4 stars; one submission).

Conditions:
Breast-ovarian cancer, familial, susceptibility to, 2 (BROVCA2). Also called: BRCA2 Hereditary Breast and Ovarian Cancer. Identifiers: Orphanet 145, MedGen C2675520, MONDO:0012933, OMIM 612555. Disease mechanism: loss of function.

Allele frequency attached by ClinVar (database versions not stated): gnomAD 0.00804 and 0.00844; TOPMed 0.00845; 1000 Genomes Project 30x 0.01202; 1000 Genomes Project 0.01258.
gnomAD v4.1: 1,283 of 152,362 alleles (0.84%); highest among the groups gnomAD compares: East Asian, 3.6%; 11 homozygotes.

Submission:

Evidence-based Network for the Interpretation of Germline Mutant Alleles (ENIGMA)
Classification: Benign for Breast-ovarian cancer, familial 2. Last evaluated: 2015-01-12. Review status: reviewed by expert panel. Criteria: ENIGMA BRCA1/2 Classification Criteria (2015). Collection method: curation. Allele origin: germline.
Comment: Class 1 not pathogenic based on frequency >1% in an outbred sampleset. Frequency 0.02972 (Asian), 0.01319 (European), derived from 1000 genomes (2012-04-30).

NM_000059.4(BRCA2):c.9257-3031A>T

Gene: BRCA2 (BRCA2 DNA repair associated; plus strand). Cytogenetic location: 13q13.1.
Variant type: single nucleotide variant.
Coding change: c.9257-3031A>T on transcript NM_000059.4 (MANE Select); 3031 bases into the intron before coding-DNA position 9257, A replaced by T.
Molecular consequence: intron variant.
Genome position (GRCh38, 1-based): chr13:32,391,658, A>T. VCF-style: chr13-32391658-A-T. GRCh37 (hg19) VCF-style: chr13-32965795-A-T.
Other names: IVS 24-3031A>T.
Identifiers: ClinVar variation 209895 (VCV000209895.1), dbSNP rs11571810, ClinGen allele CA276863.